The following is an entry in ClinVar:

NM_032888.4(COL27A1):c.2305G>C (p.Gly769Arg)

Gene: COL27A1 (collagen type XXVII alpha 1 chain; plus strand). Cytogenetic location: 9q32.
Variant type: single nucleotide variant.
Coding change: c.2305G>C on transcript NM_032888.4 (MANE Select); coding-DNA position 2305, G replaced by C.
Protein change: p.Gly769Arg; replaces glycine 769 with arginine.
Molecular consequence: missense variant.
Genome position (GRCh38, 1-based): chr9:114,209,711, G>C. VCF-style: chr9-114209711-G-C. GRCh37 (hg19) VCF-style: chr9-116971991-G-C.
Other names: short protein forms G769R.
Identifiers: ClinVar variation 1928886 (VCV001928886.2), dbSNP rs2490928355, ClinGen allele CA374601262.
Genomic context (GRCh38, chr9:114,209,711, plus strand): 5'-GACCCCCTTTCTTCTCTTTCCTAGGGCTACATTGGGCTCCCAGGGCTCTTCGGCCTGCCA[G>C]GGTCTGATGGAGAACGAGTAAGTTTGCTTCTTTGGTTATTCACCATCCACAGCCACCCCT-3'
Protein context (NP_116277.2, residues 759-779): IGLPGLFGLP[Gly769Arg]SDGERGLPGV

ClinVar aggregate classification (germline): Uncertain significance (1 of 4 stars; one submission).

Submission:

Labcorp Genetics (formerly Invitae), Labcorp
Classification: Uncertain significance. Last evaluated: 2021-02-08. Review status: criteria provided, single submitter. Criteria: Invitae Variant Classification Sherloc (09022015). Collection method: clinical testing. Allele origin: germline.
Comment: This sequence change replaces glycine with arginine at codon 769 of the COL27A1 protein (p.Gly769Arg). The glycine residue is highly conserved and there is a moderate physicochemical difference between glycine and arginine. This variant is not present in population databases (ExAC no frequency). This variant has not been reported in the literature in individuals with COL27A1-related conditions. Advanced modeling of protein sequence and biophysical properties (such as structural, functional, and spatial information, amino acid conservation, physicochemical variation, residue mobility, and thermodynamic stability) performed at Invitae indicates that this missense variant is expected to disrupt COL27A1 protein function. In summary, the available evidence is currently insufficient to determine the role of this variant in disease. Therefore, it has been classified as a Variant of Uncertain Significance.